The following is an entry in ClinVar:

ClinVar aggregate classification (germline): Uncertain significance. Review status: criteria provided, multiple submitters, no conflicts (2 of 4 stars). 4 submissions from 4 submitters: Uncertain significance (4). Last evaluated 2025-11-03.

Conditions:
Inborn genetic diseases. Identifiers: MedGen C0950123, MeSH D030342.
Usher syndrome type 2C. Also called: Usher syndrome, type 2B; USHER SYNDROME, TYPE IIC. Identifiers: Orphanet 231178, Orphanet 886, MedGen C2931213, MONDO:0011558, OMIM 605472.
Febrile seizures, familial, 4 (FEB4). Also called: CONVULSIONS, FAMILIAL FEBRILE, 4. Identifiers: MedGen C1858493, MONDO:0011443, OMIM 604352.

Allele frequency attached by ClinVar (database versions not stated): gnomAD 0.00001; gnomAD exomes 0.00001; TOPMed 0.00001.
gnomAD v4.1: 12 of 1,613,690 alleles (0.00074%); highest among the groups gnomAD compares: Non-Finnish European, 0.00093%; no homozygotes.

Submissions (4):

Ambry Genetics
Classification: Uncertain significance for Inborn genetic diseases. Last evaluated: 2025-11-03. Review status: criteria provided, single submitter. Criteria: Ambry Variant Classification Scheme 2023. Collection method: clinical testing. Allele origin: germline.

Labcorp Genetics (formerly Invitae), Labcorp
Classification: Uncertain significance. Last evaluated: 2024-12-02. Review status: criteria provided, single submitter. Criteria: Invitae Variant Classification Sherloc (09022015). Collection method: clinical testing. Allele origin: germline.
Comment: This sequence change replaces glutamic acid, which is acidic and polar, with lysine, which is basic and polar, at codon 1756 of the ADGRV1 protein (p.Glu1756Lys). This variant is present in population databases (no rsID available, gnomAD 0.007%). This variant has not been reported in the literature in individuals affected with ADGRV1-related conditions. ClinVar contains an entry for this variant (Variation ID: 852060). Invitae Evidence Modeling of protein sequence and biophysical properties (such as structural, functional, and spatial information, amino acid conservation, physicochemical variation, residue mobility, and thermodynamic stability) indicates that this missense variant is not expected to disrupt ADGRV1 protein function with a negative predictive value of 95%. In summary, the available evidence is currently insufficient to determine the role of this variant in disease. Therefore, it has been classified as a Variant of Uncertain Significance.

Fulgent Genetics
Classification: Uncertain significance for Febrile seizures, familial, 4; Usher syndrome type 2C. Last evaluated: 2024-05-17. Review status: criteria provided, single submitter. Criteria: ACMG Guidelines, 2015. Collection method: clinical testing. Allele origin: germline.

Blueprint Genetics
Classification: Uncertain significance. Last evaluated: 2022-09-14. Review status: criteria provided, single submitter. Criteria: ACMG Guidelines, 2015. Collection method: clinical testing. Allele origin: germline.

NM_032119.4(ADGRV1):c.5266G>A (p.Glu1756Lys)

Gene: ADGRV1 (adhesion G protein-coupled receptor V1; plus strand). Cytogenetic location: 5q14.3.
Variant type: single nucleotide variant.
Coding change: c.5266G>A on transcript NM_032119.4 (MANE Select); coding-DNA position 5266, G replaced by A.
Protein change: p.Glu1756Lys; replaces glutamic acid 1756 with lysine.
Molecular consequence: missense variant. On other transcripts: non-coding transcript variant (1).
Genome position (GRCh38, 1-based): chr5:90,675,398, G>A. VCF-style: chr5-90675398-G-A. GRCh37 (hg19) VCF-style: chr5-89971215-G-A.
Other names: short protein forms E1756K.
Identifiers: ClinVar variation 852060 (VCV000852060.11), dbSNP rs1027911338, ClinGen allele CA122799550.